The following is an entry in ClinVar:

ClinVar aggregate classification (germline): Conflicting classifications of pathogenicity. Review status: criteria provided, conflicting classifications (1 of 4 stars). 4 submissions from 4 submitters: Uncertain significance (1); Benign (1); Likely benign (2). Last evaluated 2025-12-22.

Conditions:
COG5-congenital disorder of glycosylation. Also called: COG5-CDG; CDG IIi; CONGENITAL DISORDER OF GLYCOSYLATION, TYPE IIi. Identifiers: Orphanet 263487, MedGen C3150876, MONDO:0013325, OMIM 613612.

Allele frequency attached by ClinVar (database versions not stated): gnomAD exomes 0.00008 and 0.00033; gnomAD 0.00009 and 0.00016; TOPMed 0.00011; 1000 Genomes Project 30x 0.00031; ExAC 0.00032; 1000 Genomes Project 0.00040.
gnomAD v4.1: 189 of 1,613,578 alleles (0.012%); highest among the groups gnomAD compares: East Asian, 0.17%; no homozygotes.

Submissions (4):

Labcorp Genetics (formerly Invitae), Labcorp
Classification: Benign for COG5-congenital disorder of glycosylation. Last evaluated: 2025-12-22. Review status: criteria provided, single submitter. Criteria: Invitae Variant Classification Sherloc (09022015). Collection method: clinical testing. Allele origin: germline.

Blueprint Genetics
Classification: Likely benign. Last evaluated: 2024-10-08. Review status: criteria provided, single submitter. Criteria: ACMG Guidelines, 2015. Collection method: clinical testing. Allele origin: germline.

GeneDx
Classification: Likely benign. Last evaluated: 2018-02-05. Review status: criteria provided, single submitter. Criteria: GeneDx Variant Classification (06012015). Collection method: clinical testing. Allele origin: germline. Affected: yes.
Comment: This variant is considered likely benign or benign based on one or more of the following criteria: it is a conservative change, it occurs at a poorly conserved position in the protein, it is predicted to be benign by multiple in silico algorithms, and/or has population frequency not consistent with disease.

Illumina Laboratory Services, Illumina
Classification: Uncertain significance for COG5-congenital disorder of glycosylation. Last evaluated: 2018-01-13. Review status: criteria provided, single submitter. Criteria: ICSL Variant Classification Criteria 13 December 2019. Collection method: clinical testing. Allele origin: germline.

NM_006348.5(COG5):c.795C>T (p.Asp265=)

Gene: COG5 (component of oligomeric golgi complex 5; minus strand). Cytogenetic location: 7q22.3.
Variant type: single nucleotide variant.
Coding change: c.795C>T on transcript NM_006348.5 (MANE Select); coding-DNA position 795, C replaced by T.
Protein change: p.Asp265=; no amino-acid change (aspartic acid 265 retained).
Molecular consequence: synonymous variant. On other transcripts: intron variant (2).
Genome position (GRCh38, 1-based): chr7:107,372,635, G>A on the plus strand (C>T on the coding strand, the complement: COG5 is on the minus strand). VCF-style: chr7-107372635-G-A. GRCh37 (hg19) VCF-style: chr7-107013080-G-A.
Other names: c.795C>T, p.Asp265= (NM_001161520.2, NM_001379511.1, NM_001379512.1 and 3 more transcripts); c.235-10525C>T (NM_001379516.1); c.539-74289C>T (NM_001379515.1).
Identifiers: ClinVar variation 358467 (VCV000358467.16), dbSNP rs372226278, ClinGen allele CA4431104.